The following is an entry in ClinVar:

NM_001042492.3(NF1):c.1917dup (p.Thr640fs)

Gene: NF1 (neurofibromin 1; plus strand). Cytogenetic location: 17q11.2.
Variant type: Duplication.
Coding change: c.1917dup on transcript NM_001042492.3 (MANE Select); coding-DNA position 1917, one base duplicated (T; older notation c.1917dupT).
Protein change: p.Thr640fs; shifts the reading frame from threonine 640.
Molecular consequence: frameshift variant.
Genome position (GRCh38, 1-based): chr17:31,225,166, T duplicated. VCF-style (leftmost placement, unchanged base first): chr17-31225165-A-AT. GRCh37 (hg19) VCF-style: chr17-29552183-A-AT.
Other names: c.1917dupT (NM_000267.3); c.1917dup, p.Thr640Tyrfs (NM_000267.4); short protein forms T640fs.
Identifiers: ClinVar variation 2452236 (VCV002452236.2), dbSNP rs2508141521, ClinGen allele CA2580092901.

ClinVar aggregate classification (germline): Pathogenic (1 of 4 stars; one submission).

Conditions:
Hereditary cancer-predisposing syndrome. Also called: Neoplastic Syndromes, Hereditary; Tumor predisposition; Hereditary neoplastic syndrome; Hereditary Cancer Syndrome. Identifiers: Orphanet 140162, MedGen C0027672, MeSH D009386, MONDO:0015356.
Cardiovascular phenotype. Identifiers: MedGen CN230736.

Submission:

Ambry Genetics
Classification: Pathogenic for Cardiovascular phenotype; Hereditary cancer-predisposing syndrome. Last evaluated: 2022-12-16. Review status: criteria provided, single submitter. Criteria: Ambry Variant Classification Scheme 2023. Collection method: clinical testing. Allele origin: germline.
Comment: The c.1917dupT pathogenic mutation, located in coding exon 17 of the NF1 gene, results from a duplication of T at nucleotide position 1917, causing a translational frameshift with a predicted alternate stop codon (p.T640Yfs*9). This alteration has been identified in at least one individual with NF1-related features (Ambry internal data). This variant is considered to be rare based on population cohorts in the Genome Aggregation Database (gnomAD). This alteration is expected to result in loss of function by premature protein truncation or nonsense-mediated mRNA decay. As such, this alteration is interpreted as a disease-causing mutation.